The following is an entry in ClinVar:

ClinVar aggregate classification (germline): Likely pathogenic (1 of 4 stars; one submission).

Conditions:
Mucopolysaccharidosis type 6 (MPS6). Also called: MPS 6; Maroteaux Lamy syndrome; MPS VI; N-ACETYLGALACTOSAMINE-4-SULFATASE DEFICIENCY; ARSB DEFICIENCY; ARYLSULFATASE B DEFICIENCY. Identifiers: Orphanet 583, MedGen C0026709, MONDO:0009661, OMIM 253200.

Submission:

Laboratory of Inherited Metabolic Diseases, Research centre for medical genetics
Classification: Likely pathogenic for Mucopolysaccharidosis type 6. Last evaluated: 2024-01-14. Review status: criteria provided, single submitter. Criteria: ACMG Guidelines, 2015. Collection method: research. Allele origin: germline. Affected: yes.
Comment: Patient's mRNA analysis and minigene assay demonstrated insertion of 125 bp pseudoexon in the vast majority of mRNA isoforms.

Literature cited by the submitters: PubMed 34435740.

NM_000046.5(ARSB):c.1142+581A>G

Gene: ARSB (arylsulfatase B; minus strand). Cytogenetic location: 5q14.1.
Variant type: single nucleotide variant.
Coding change: c.1142+581A>G on transcript NM_000046.5 (MANE Select); 581 bases into the intron after coding-DNA position 1142, A replaced by G.
Molecular consequence: intron variant.
Genome position (GRCh38, 1-based): chr5:78,885,003, T>C on the plus strand (A>G on the coding strand, the complement: ARSB is on the minus strand). VCF-style: chr5-78885003-T-C. GRCh37 (hg19) VCF-style: chr5-78180826-T-C.
Other names: c.1142+581A>G (NM_198709.3).
Identifiers: ClinVar variation 2686031 (VCV002686031.1), dbSNP rs1383447253, ClinGen allele CA2695204615.